The following is an entry in ClinVar:

ClinVar aggregate classification (germline): Uncertain significance. Review status: criteria provided, multiple submitters, no conflicts (2 of 4 stars). 3 submissions from 3 submitters: Uncertain significance (3). Last evaluated 2025-02-06.

Conditions:
Fanconi anemia (FA). Also called: Fanconi's anemia. Identifiers: Orphanet 84, MedGen C0015625, MeSH D005199, MONDO:0019391.
Fanconi anemia complementation group G. Also called: Fanconi anemia group G; FANCG-Related Fanconi Anemia. Identifiers: Orphanet 84, MedGen C3469527, MONDO:0013565, OMIM 614082.

Allele frequency attached by ClinVar (database versions not stated): gnomAD 0.00001 and 0.00003; gnomAD exomes 0.00002 and 0.00005; TOPMed 0.00002; ExAC 0.00005; 1000 Genomes Project 30x 0.00016; 1000 Genomes Project 0.00020.

Submissions (3):

Labcorp Genetics (formerly Invitae), Labcorp
Classification: Uncertain significance for Fanconi anemia. Last evaluated: 2025-02-06. Review status: criteria provided, single submitter. Criteria: Invitae Variant Classification Sherloc (09022015). Collection method: clinical testing. Allele origin: germline.
Comment: This sequence change replaces arginine, which is basic and polar, with cysteine, which is neutral and slightly polar, at codon 155 of the FANCG protein (p.Arg155Cys). This variant is present in population databases (rs200926249, gnomAD 0.03%). This variant has not been reported in the literature in individuals affected with FANCG-related conditions. ClinVar contains an entry for this variant (Variation ID: 1347630). Invitae Evidence Modeling of protein sequence and biophysical properties (such as structural, functional, and spatial information, amino acid conservation, physicochemical variation, residue mobility, and thermodynamic stability) indicates that this missense variant is not expected to disrupt FANCG protein function with a negative predictive value of 80%. Algorithms developed to predict the effect of sequence changes on RNA splicing suggest that this variant may disrupt the consensus splice site. In summary, the available evidence is currently insufficient to determine the role of this variant in disease. Therefore, it has been classified as a Variant of Uncertain Significance.

Fulgent Genetics
Classification: Uncertain significance for Fanconi anemia complementation group G. Last evaluated: 2024-02-27. Review status: criteria provided, single submitter. Criteria: ACMG Guidelines, 2015. Collection method: clinical testing. Allele origin: germline.

Sema4
Classification: Uncertain significance for Fanconi anemia. Last evaluated: 2022-01-31. Review status: criteria provided, single submitter. Criteria: Sema4 Curation Guidelines. Collection method: curation. Allele origin: germline.
Comment: The FANCG c.463C>T (p.R155C ) variant has not been reported in the literature to our knowledge. It was observed in 9/30612 chromosomes in the South Asian subpopulation according to the Genome Aggregation Database (PMID: 32461654). This variant has not been reported in ClinVar. In silico tools suggest the impact of the variant on protein function is benign, though these predictions have not been confirmed by functional studies. There is no indication that this variant causes disease, but the evidence is insufficient currently to prove that conclusively. Thus, the clinical significance of this variant is currently uncertain.

NM_004629.2(FANCG):c.463C>T (p.Arg155Cys)

Gene: FANCG (FA complementation group G; minus strand). Cytogenetic location: 9p13.3.
Variant type: single nucleotide variant.
Coding change: c.463C>T on transcript NM_004629.2 (MANE Select); coding-DNA position 463, C replaced by T.
Protein change: p.Arg155Cys; replaces arginine 155 with cysteine.
Molecular consequence: missense variant.
Genome position (GRCh38, 1-based): chr9:35,078,188, G>A on the plus strand (C>T on the coding strand, the complement: FANCG is on the minus strand). VCF-style: chr9-35078188-G-A. GRCh37 (hg19) VCF-style: chr9-35078185-G-A.
Other names: short protein forms R155C.
Identifiers: ClinVar variation 1347630 (VCV001347630.9), dbSNP rs200926249, ClinGen allele CA5040042.